The following is an entry in ClinVar:

NM_173849.3(GSC):c.564C>T (p.Gly188=)

Gene: GSC (goosecoid homeobox; minus strand). Cytogenetic location: 14q32.13.
Variant type: single nucleotide variant.
Coding change: c.564C>T on transcript NM_173849.3 (MANE Select); coding-DNA position 564, C replaced by T.
Protein change: p.Gly188=; no amino-acid change (glycine 188 retained).
Molecular consequence: synonymous variant.
Genome position (GRCh38, 1-based): chr14:94,769,009, G>A on the plus strand (C>T on the coding strand, the complement: GSC is on the minus strand). VCF-style: chr14-94769009-G-A. GRCh37 (hg19) VCF-style: chr14-95235346-G-A.
Identifiers: ClinVar variation 2182192 (VCV002182192.1), dbSNP rs758123549, ClinGen allele CA7330497.

ClinVar aggregate classification (germline): Uncertain significance (1 of 4 stars; one submission).

Allele frequency attached by ClinVar (database versions not stated): gnomAD exomes 0.00001; ExAC 0.00003; TOPMed 0.00005; gnomAD 0.00006.

Submission:

Labcorp Genetics (formerly Invitae), Labcorp
Classification: Uncertain significance. Last evaluated: 2021-12-22. Review status: criteria provided, single submitter. Criteria: Invitae Variant Classification Sherloc (09022015). Collection method: clinical testing. Allele origin: germline.
Comment: This sequence change affects codon 188 of the GSC mRNA. It is a 'silent' change, meaning that it does not change the encoded amino acid sequence of the GSC protein. The frequency data for this variant in the population databases is considered unreliable, as metrics indicate poor data quality at this position in the gnomAD database. This variant has not been reported in the literature in individuals affected with GSC-related conditions. Algorithms developed to predict the effect of sequence changes on RNA splicing suggest that this variant may create or strengthen a splice site. In summary, the available evidence is currently insufficient to determine the role of this variant in disease. Therefore, it has been classified as a Variant of Uncertain Significance.